The following is an entry in ClinVar:

NM_001294.4(CLPTM1):c.270C>T (p.Arg90=)

Gene: CLPTM1 (CLPTM1 regulator of GABA type A receptor forward trafficking; plus strand). Cytogenetic location: 19q13.32.
Variant type: single nucleotide variant.
Coding change: c.270C>T on transcript NM_001294.4 (MANE Select); coding-DNA position 270, C replaced by T.
Protein change: p.Arg90=; no amino-acid change (arginine 90 retained).
Molecular consequence: synonymous variant. On other transcripts: 5 prime UTR variant (1).
Genome position (GRCh38, 1-based): chr19:44,973,171, C>T. VCF-style: chr19-44973171-C-T. GRCh37 (hg19) VCF-style: chr19-45476428-C-T.
Other names: c.228C>T, p.Arg76= (NM_001282175.2); c.-37C>T (NM_001282176.2).
Identifiers: ClinVar variation 3047181 (VCV003047181.2), dbSNP rs756180905, ClinGen allele CA9506773.

ClinVar aggregate classification (germline): Likely benign (0 of 4 stars; one submission).

Conditions:
CLPTM1-related disorder. Also called: CLPTM1-related condition.

Allele frequency attached by ClinVar (database versions not stated): gnomAD exomes 0.00003; gnomAD 0.00004; TOPMed 0.00005; ExAC 0.00010.
gnomAD v4.1: 49 of 1,613,860 alleles (0.003%); highest among the groups gnomAD compares: Admixed American, 0.013%; no homozygotes.

Submission:

PreventionGenetics, part of Exact Sciences
Classification: Likely benign for CLPTM1-related condition. Last evaluated: 2019-03-22. Review status: no assertion criteria provided. Collection method: clinical testing. Allele origin: germline.
Comment: This variant is classified as likely benign based on ACMG/AMP sequence variant interpretation guidelines (Richards et al. 2015 PMID: 25741868, with internal and published modifications).